The following is an entry in ClinVar:

ClinVar aggregate classification (germline): Benign/Likely benign. Review status: criteria provided, multiple submitters, no conflicts (2 of 4 stars). 3 submissions from 3 submitters: Benign (1); Likely benign (2). Last evaluated 2025-11-10.

Conditions:
Hereditary cancer-predisposing syndrome. Also called: Neoplastic Syndromes, Hereditary; Hereditary Cancer Syndrome; Hereditary neoplastic syndrome; Tumor predisposition. Identifiers: Orphanet 140162, MedGen C0027672, MeSH D009386, MONDO:0015356.
Hereditary leiomyomatosis and renal cell cancer. Also called: Familial leiomyomatosis; Reed syndrome; Multiple cutaneous and uterine leiomyomatosis; Cutaneous leiomyomata with uterine leiomyomata; Leiomyoma, hereditary multiple, of skin; Multiple cutaneous and uterine leiomyomata. Identifiers: Orphanet 523, MedGen C1708350, MONDO:0007888, OMIM 150800, HP:0007437. Disease mechanism: loss of function.

Allele frequency attached by ClinVar (database versions not stated): TOPMed 0.00005.
gnomAD v4.1: 4 of 1,614,022 alleles (0.00025%); highest among the groups gnomAD compares: African/African-American, 0.0053%; no homozygotes.

Submissions (3):

Labcorp Genetics (formerly Invitae), Labcorp
Classification: Likely benign. Last evaluated: 2025-11-10. Review status: criteria provided, single submitter. Criteria: Invitae Variant Classification Sherloc (09022015). Collection method: clinical testing. Allele origin: germline.

Myriad Genetics, Inc.
Classification: Benign for Hereditary leiomyomatosis and renal cell cancer. Last evaluated: 2024-10-17. Review status: criteria provided, single submitter. Criteria: Myriad Autosomal Dominant, Autosomal Recessive and X-Linked Classification Criteria (2023). Collection method: clinical testing. Allele origin: unknown.
Comment: This variant is considered benign. This variant is a silent/synonymous amino acid change and it is not expected to impact splicing.

Ambry Genetics
Classification: Likely benign for Hereditary cancer-predisposing syndrome. Last evaluated: 2022-09-05. Review status: criteria provided, single submitter. Criteria: Ambry Variant Classification Scheme 2023. Collection method: clinical testing. Allele origin: germline.

NM_000143.4(FH):c.228G>T (p.Thr76=)

Gene: FH (fumarate hydratase; minus strand). Cytogenetic location: 1q43.
Variant type: single nucleotide variant.
Coding change: c.228G>T on transcript NM_000143.4 (MANE Select); coding-DNA position 228, G replaced by T.
Protein change: p.Thr76=; no amino-acid change (threonine 76 retained).
Molecular consequence: synonymous variant.
Genome position (GRCh38, 1-based): chr1:241,517,221, C>A on the plus strand (G>T on the coding strand, the complement: FH is on the minus strand). VCF-style: chr1-241517221-C-A. GRCh37 (hg19) VCF-style: chr1-241680521-C-A.
Identifiers: ClinVar variation 738765 (VCV000738765.14), dbSNP rs373586584, ClinGen allele CA424076577.